The following is an entry in ClinVar:

NM_025009.5(CEP135):c.1010T>C (p.Leu337Pro)

Gene: CEP135 (centrosomal protein 135; plus strand). Cytogenetic location: 4q12.
Variant type: single nucleotide variant.
Coding change: c.1010T>C on transcript NM_025009.5 (MANE Select); coding-DNA position 1010, T replaced by C.
Protein change: p.Leu337Pro; replaces leucine 337 with proline.
Molecular consequence: missense variant.
Genome position (GRCh38, 1-based): chr4:55,965,825, T>C. VCF-style: chr4-55965825-T-C. GRCh37 (hg19) VCF-style: chr4-56831991-T-C.
Other names: short protein forms L337P.
Identifiers: ClinVar variation 1520588 (VCV001520588.6), dbSNP rs370433264, ClinGen allele CA2927726.

ClinVar aggregate classification (germline): Uncertain significance (1 of 4 stars; one submission).

Allele frequency attached by ClinVar (database versions not stated): ExAC 0.00001; gnomAD 0.00001; gnomAD exomes 0.00001; TOPMed 0.00001; ESP Exome Variant Server 0.00008.
gnomAD v4.1: 19 of 1,613,458 alleles (0.0012%); highest among the groups gnomAD compares: Non-Finnish European, 0.0016%; no homozygotes.

Submission:

Labcorp Genetics (formerly Invitae), Labcorp
Classification: Uncertain significance. Last evaluated: 2022-10-24. Review status: criteria provided, single submitter. Criteria: Invitae Variant Classification Sherloc (09022015). Collection method: clinical testing. Allele origin: germline.
Comment: ClinVar contains an entry for this variant (Variation ID: 1520588). In summary, the available evidence is currently insufficient to determine the role of this variant in disease. Therefore, it has been classified as a Variant of Uncertain Significance. Algorithms developed to predict the effect of missense changes on protein structure and function (SIFT, PolyPhen-2, Align-GVGD) all suggest that this variant is likely to be disruptive. This variant has not been reported in the literature in individuals affected with CEP135-related conditions. This variant is present in population databases (rs370433264, gnomAD 0.003%). This sequence change replaces leucine, which is neutral and non-polar, with proline, which is neutral and non-polar, at codon 337 of the CEP135 protein (p.Leu337Pro).